The following is an entry in ClinVar:

NM_024876.4(COQ8B):c.861C>A (p.Tyr287Ter)

Gene: COQ8B (coenzyme Q8B; minus strand). Cytogenetic location: 19q13.2.
Variant type: single nucleotide variant.
Coding change: c.861C>A on transcript NM_024876.4 (MANE Select); coding-DNA position 861, C replaced by A.
Protein change: p.Tyr287Ter; replaces tyrosine 287 with a stop codon.
Molecular consequence: nonsense.
Genome position (GRCh38, 1-based): chr19:40,702,632, G>T on the plus strand (C>A on the coding strand, the complement: COQ8B is on the minus strand). VCF-style: chr19-40702632-G-T. GRCh37 (hg19) VCF-style: chr19-41208537-G-T.
Other names: c.738C>A, p.Tyr246Ter (NM_001142555.3); short protein forms Y287*, Y246*.
Identifiers: ClinVar variation 3664204 (VCV003664204.2).

ClinVar aggregate classification (germline): Pathogenic (1 of 4 stars; one submission).

Submission:

Labcorp Genetics (formerly Invitae), Labcorp
Classification: Pathogenic. Last evaluated: 2024-09-01. Review status: criteria provided, single submitter. Criteria: Invitae Variant Classification Sherloc (09022015). Collection method: clinical testing. Allele origin: germline.
Comment: This sequence change creates a premature translational stop signal (p.Tyr287*) in the COQ8B gene. It is expected to result in an absent or disrupted protein product. Loss-of-function variants in COQ8B are known to be pathogenic (PMID: 24270420). This variant is not present in population databases (gnomAD no frequency). This variant has not been reported in the literature in individuals affected with COQ8B-related conditions. For these reasons, this variant has been classified as Pathogenic.

Literature cited by the submitters: PubMed 24270420.